The following is an entry in ClinVar:

NM_003803.4(MYOM1):c.2299_2300inv (p.Glu767Ser)

Gene: MYOM1 (myomesin 1; minus strand). Cytogenetic location: 18p11.31.
Variant type: Inversion.
Coding change: c.2299_2300inv on transcript NM_003803.4 (MANE Select).
Protein change: p.Glu767Ser; replaces glutamic acid 767 with serine.
Molecular consequence: missense variant.
Genome position: GRCh38 VCF-style: chr18-3134734-TC-GA. GRCh37 (hg19) VCF-style: chr18-3134732-TC-GA.
Other names: c.2299_2300inv, p.Glu767Ser (NM_019856.2); short protein forms E767S.
Identifiers: ClinVar variation 2197291 (VCV002197291.4), ClinGen allele CA2580095437.

ClinVar aggregate classification (germline): Uncertain significance (1 of 4 stars; one submission).

Conditions:
Hypertrophic cardiomyopathy. Also called: HYPERTROPHIC MYOCARDIOPATHY. Identifiers: Orphanet 217569, MedGen C0007194, MeSH D002312, MONDO:0005045, HP:0001639.

Submission:

Labcorp Genetics (formerly Invitae), Labcorp
Classification: Uncertain significance for Hypertrophic cardiomyopathy. Last evaluated: 2022-03-14. Review status: criteria provided, single submitter. Criteria: Invitae Variant Classification Sherloc (09022015). Collection method: clinical testing. Allele origin: germline.
Comment: This variant has not been reported in the literature in individuals affected with MYOM1-related conditions. In summary, the available evidence is currently insufficient to determine the role of this variant in disease. Therefore, it has been classified as a Variant of Uncertain Significance. Algorithms developed to predict the effect of missense changes on protein structure and function are either unavailable or do not agree on the potential impact of this missense change (SIFT: "Not Available"; PolyPhen-2: "Possibly Damaging"; Align-GVGD: "Not Available"). This variant is present in population databases (no rsID available, gnomAD 0.1%). This sequence change replaces glutamic acid, which is acidic and polar, with serine, which is neutral and polar, at codon 767 of the MYOM1 protein (p.Glu767Ser).